The following is an entry in ClinVar:

NM_206933.4(USH2A):c.3372del (p.Tyr1123_Tyr1124insTer)

Genes: USH2A (usherin; minus strand), USH2A-AS1 (USH2A antisense RNA 1; plus strand). Cytogenetic location: 1q41.
Variant type: Deletion.
Coding change: c.3372del on transcript NM_206933.4 (MANE Select); coding-DNA position 3372, one base deleted (C; older notation c.3372delC).
Protein change: p.Tyr1123_Tyr1124insTer.
Molecular consequence: nonsense.
Genome position (GRCh38, 1-based): chr1:216,200,066, G deleted on the plus strand (C on the coding strand, the reverse complement: USH2A is on the minus strand). VCF-style (leftmost placement, unchanged base first): chr1-216200065-TG-T. GRCh37 (hg19) VCF-style: chr1-216373407-TG-T.
Other names: c.3372del, p.Tyr1123_Tyr1124insTer (NM_007123.6).
Identifiers: ClinVar variation 5004663 (VCV005004663.1).

ClinVar aggregate classification (germline): Pathogenic (1 of 4 stars; one submission).

Conditions:
USH2A-related disorder. Also called: USH2A-related condition; USH2A-related disorders. Identifiers: MedGen CN239332.

Submission:

Myriad Genetics, Inc.
Classification: Pathogenic for USH2A-related disorder. Last evaluated: 2026-05-13. Review status: criteria provided, single submitter. Criteria: Myriad Autosomal Dominant, Autosomal Recessive and X-Linked Classification Criteria (2023). Collection method: clinical testing. Allele origin: unknown.
Comment: NM_206933.2(USH2A):c.3372delC(Y1124*) is a nonsense variant classified as pathogenic in the context of USH2A-related disorders. Y1124* has not been observed in cases with relevant disease. Relevant functional assessments of this variant are not available in the literature. Y1124* has not been observed in referenced population frequency databases. In summary, NM_206933.2(USH2A):c.3372delC(Y1124*) is a nonsense variant in a gene where loss of function is a known mechanism of disease and is predicted to disrupt protein function. Please note: this variant was assessed in the context of healthy population screening.